The following is an entry in ClinVar:

ClinVar aggregate classification (germline): Likely pathogenic (1 of 4 stars; one submission).

Conditions:
Distal myopathy with posterior leg and anterior hand involvement. Also called: WILLIAMS DISTAL MYOPATHY. Identifiers: Orphanet 63273, MedGen C3279722, MONDO:0013550, OMIM 614065.
Myofibrillar myopathy 5. Also called: FILAMINOPATHY, AUTOSOMAL DOMINANT; Filaminopathy (type). Identifiers: Orphanet 171445, MedGen C1836050, MONDO:0012289, OMIM 609524.
Hypertrophic cardiomyopathy 26. Also called: Cardiomyopathy, familial hypertrophic, 26. Identifiers: Orphanet 75249, MedGen C4310749, MONDO:0014883, OMIM 617047.

Submission:

Labcorp Genetics (formerly Invitae), Labcorp
Classification: Likely pathogenic for Distal myopathy with posterior leg and anterior hand involvement; Myofibrillar myopathy 5; Hypertrophic cardiomyopathy 26. Last evaluated: 2022-06-04. Review status: criteria provided, single submitter. Criteria: Invitae Variant Classification Sherloc (09022015). Collection method: clinical testing. Allele origin: germline.
Comment: Algorithms developed to predict the effect of sequence changes on RNA splicing suggest that this variant may disrupt the consensus splice site. In summary, the currently available evidence indicates that the variant is pathogenic, but additional data are needed to prove that conclusively. Therefore, this variant has been classified as Likely Pathogenic. ClinVar contains an entry for this variant (Variation ID: 642447). This sequence change affects a donor splice site in intron 41 of the FLNC gene. It is expected to disrupt RNA splicing. Variants that disrupt the donor or acceptor splice site typically lead to a loss of protein function (PMID: 16199547), and loss-of-function variants in FLNC are known to be pathogenic (PMID: 27908349). This variant is not present in population databases (gnomAD no frequency). This variant has not been reported in the literature in individuals affected with FLNC-related conditions.

Literature cited by the submitters: PubMed 16199547; PubMed 27908349.

NM_001458.5(FLNC):c.6997+1G>T

Genes: FLNC-AS1 (FLNC antisense RNA 1; minus strand), FLNC (filamin C; plus strand). Cytogenetic location: 7q32.1.
Variant type: single nucleotide variant.
Coding change: c.6997+1G>T on transcript NM_001458.5 (MANE Select); the canonical splice donor site of the intron after coding-DNA position 6997, G replaced by T.
Molecular consequence: splice donor variant.
Genome position (GRCh38, 1-based): chr7:128,854,683, G>T. VCF-style: chr7-128854683-G-T. GRCh37 (hg19) VCF-style: chr7-128494737-G-T.
Other names: c.6898+1G>T (NM_001127487.2).
Identifiers: ClinVar variation 642447 (VCV000642447.7), dbSNP rs1585169973, ClinGen allele CA369214448.